The following is an entry in ClinVar:

ClinVar aggregate classification (germline): Uncertain significance. Review status: criteria provided, multiple submitters, no conflicts (2 of 4 stars). 2 submissions from 2 submitters: Uncertain significance (2). Last evaluated 2021-10-09.

Conditions:
Inborn genetic diseases. Identifiers: MedGen C0950123, MeSH D030342.

Allele frequency attached by ClinVar (database versions not stated): gnomAD 0.00001; gnomAD exomes 0.00001 and 0.00002.
gnomAD v4.1: 11 of 1,606,664 alleles (0.00068%); highest among the groups gnomAD compares: South Asian, 0.0022%; no homozygotes.

Submissions (2):

Ambry Genetics
Classification: Uncertain significance for Inborn genetic diseases. Last evaluated: 2021-10-09. Review status: criteria provided, single submitter. Criteria: Ambry Variant Classification Scheme 2023. Collection method: clinical testing. Allele origin: germline.
Comment: The p.R347Q variant (also known as c.1040G>A), located in coding exon 7 of the INF2 gene, results from a G to A substitution at nucleotide position 1040. The arginine at codon 347 is replaced by glutamine, an amino acid with highly similar properties. This amino acid position is conserved. In addition, this alteration is predicted to be tolerated by in silico analysis. Since supporting evidence is limited at this time, the clinical significance of this alteration remains unclear.

CeGaT Center for Human Genetics Tuebingen
Classification: Uncertain significance. Last evaluated: 2016-05-01. Review status: criteria provided, single submitter. Criteria: CeGaT Center For Human Genetics Tuebingen Variant Classification Criteria Version 2. Collection method: clinical testing. Allele origin: germline. Affected: yes. Observed: 1 variant allele.

NM_022489.4(INF2):c.1040G>A (p.Arg347Gln)

Gene: INF2 (inverted formin 2; plus strand). Cytogenetic location: 14q32.33.
Variant type: single nucleotide variant.
Coding change: c.1040G>A on transcript NM_022489.4 (MANE Select); coding-DNA position 1040, G replaced by A.
Protein change: p.Arg347Gln; replaces arginine 347 with glutamine.
Molecular consequence: missense variant.
Genome position (GRCh38, 1-based): chr14:104,707,307, G>A. VCF-style: chr14-104707307-G-A. GRCh37 (hg19) VCF-style: chr14-105173644-G-A.
Other names: c.1040G>A, p.Arg347Gln (NM_001031714.4); short protein forms R347Q.
Identifiers: ClinVar variation 807181 (VCV000807181.44), dbSNP rs1212221513, ClinGen allele CA391215723.